The following is an entry in ClinVar:

ClinVar aggregate classification (germline): Uncertain significance (0 of 4 stars; one submission).

Conditions:
PLXNA1-related disorder. Also called: PLXNA1-related condition.

Allele frequency attached by ClinVar (database versions not stated): gnomAD 0.00001; TOPMed 0.00001.
gnomAD v4.1: 31 of 1,569,814 alleles (0.002%); highest among the groups gnomAD compares: East Asian, 0.0023%; no homozygotes.

Submission:

PreventionGenetics, part of Exact Sciences
Classification: Uncertain significance for PLXNA1-related condition. Last evaluated: 2023-12-05. Review status: no assertion criteria provided. Collection method: clinical testing. Allele origin: germline.
Comment: The PLXNA1 c.1525C>T variant is predicted to result in the amino acid substitution p.Arg509Trp. To our knowledge, this variant has not been reported in the literature. This variant is reported in 0.0041% of alleles in individuals of South Asian descent in gnomAD. At this time, the clinical significance of this variant is uncertain due to the absence of conclusive functional and genetic evidence.

NM_032242.4(PLXNA1):c.1525C>T (p.Arg509Trp)

Gene: PLXNA1 (plexin A1; plus strand). Cytogenetic location: 3q21.3.
Variant type: single nucleotide variant.
Coding change: c.1525C>T on transcript NM_032242.4 (MANE Select); coding-DNA position 1525, C replaced by T.
Protein change: p.Arg509Trp; replaces arginine 509 with tryptophan.
Molecular consequence: missense variant.
Genome position (GRCh38, 1-based): chr3:127,004,617, C>T. VCF-style: chr3-127004617-C-T. GRCh37 (hg19) VCF-style: chr3-126723460-C-T.
Other names: short protein forms R509W.
Identifiers: ClinVar variation 3030317 (VCV003030317.2), dbSNP rs985980984, ClinGen allele CA83295404.